The following is an entry in ClinVar:

NM_080424.4(SP110):c.1760A>G (p.Gln587Arg)

Gene: SP110 (SP110 nuclear body protein; minus strand). Cytogenetic location: 2q37.1.
Variant type: single nucleotide variant.
Coding change: c.1760A>G on transcript NM_080424.4 (MANE Select); coding-DNA position 1760, A replaced by G.
Protein change: p.Gln587Arg; replaces glutamine 587 with arginine.
Molecular consequence: missense variant.
Genome position (GRCh38, 1-based): chr2:230,172,121, T>C on the plus strand (A>G on the coding strand, the complement: SP110 is on the minus strand). VCF-style: chr2-230172121-T-C. GRCh37 (hg19) VCF-style: chr2-231036837-T-C.
Other names: c.1778A>G, p.Gln593Arg (NM_001378442.1, NM_001378444.1, NM_001378445.1 and 1 more transcripts); c.1760A>G, p.Gln587Arg (NM_001378443.1, NM_004509.5); short protein forms Q593R, Q587R.
Identifiers: ClinVar variation 1387962 (VCV001387962.8), dbSNP rs2106348468, ClinGen allele CA350900487.

ClinVar aggregate classification (germline): Uncertain significance (1 of 4 stars; one submission).

Conditions:
Hepatic veno-occlusive disease-immunodeficiency syndrome. Also called: Hepatic Veno-Occlusive Disease with Immunodeficiency. Identifiers: Orphanet 79124, MedGen C1856128, MONDO:0009338, OMIM 235550. Disease mechanism: loss of function.

Submission:

Labcorp Genetics (formerly Invitae), Labcorp
Classification: Uncertain significance for Hepatic veno-occlusive disease-immunodeficiency syndrome. Last evaluated: 2021-04-16. Review status: criteria provided, single submitter. Criteria: Invitae Variant Classification Sherloc (09022015). Collection method: clinical testing. Allele origin: germline.
Comment: This variant is not present in population databases (ExAC no frequency). This sequence change replaces glutamine with arginine at codon 587 of the SP110 protein (p.Gln587Arg). The glutamine residue is weakly conserved and there is a small physicochemical difference between glutamine and arginine. This variant has not been reported in the literature in individuals with SP110-related conditions. Algorithms developed to predict the effect of missense changes on protein structure and function output the following: SIFT: "Tolerated"; PolyPhen-2: "Benign"; Align-GVGD: "Class C0". The arginine amino acid residue is found in multiple mammalian species, suggesting that this missense change does not adversely affect protein function. These predictions have not been confirmed by published functional studies and their clinical significance is uncertain. In summary, the available evidence is currently insufficient to determine the role of this variant in disease. Therefore, it has been classified as a Variant of Uncertain Significance.